The following is an entry in ClinVar:

NM_001127671.2(LIFR):c.16G>A (p.Val6Ile)

Gene: LIFR (LIF receptor subunit alpha; minus strand). Cytogenetic location: 5p13.1.
Variant type: single nucleotide variant.
Coding change: c.16G>A on transcript NM_001127671.2 (MANE Select); coding-DNA position 16, G replaced by A.
Protein change: p.Val6Ile; replaces valine 6 with isoleucine.
Molecular consequence: missense variant.
Genome position (GRCh38, 1-based): chr5:38,530,632, C>T on the plus strand (G>A on the coding strand, the complement: LIFR is on the minus strand). VCF-style: chr5-38530632-C-T. GRCh37 (hg19) VCF-style: chr5-38530734-C-T.
Other names: c.16G>A, p.Val6Ile (NM_001364297.2, NM_001364298.2, NM_002310.6); short protein forms V6I.
Identifiers: ClinVar variation 353637 (VCV000353637.8), dbSNP rs373771721, ClinGen allele CA3243373.
Genomic context (GRCh38, chr5:38,530,632, plus strand): 5'-AATTTGAAGCAGTCCTCATTCTTTTATTGTCCACCATCCAGGATGGTCGTTTCAAACATA[C>T]GTAAATATCCATCATCTGTGCAATGCAGTCAGTCCTAGGTTAGGAGAGGAATTCCAGATG-3'
Protein context (NP_001121143.1, residues 1-16): MMDIY[Val6Ile]CLKRPSWMVD

ClinVar aggregate classification (germline): Uncertain significance. Review status: criteria provided, multiple submitters, no conflicts (2 of 4 stars). 3 submissions from 3 submitters: Uncertain significance (3). Last evaluated 2025-07-13.

Conditions:
Stuve-Wiedemann syndrome (STWS). Also called: Stüve-Wiedemann syndrome. Identifiers: Orphanet 3206, MedGen C0796176, MONDO:0031280.
Inborn genetic diseases. Identifiers: MedGen C0950123, MeSH D030342.

Allele frequency attached by ClinVar (database versions not stated): TOPMed 0.00001; gnomAD 0.00002 and 0.00004; ESP Exome Variant Server 0.00008; ExAC 0.00013.
gnomAD v4.1: 63 of 1,613,544 alleles (0.0039%); highest among the groups gnomAD compares: South Asian, 0.055%; 1 homozygote.

Submissions (3):

Labcorp Genetics (formerly Invitae), Labcorp
Classification: Uncertain significance. Last evaluated: 2025-07-13. Review status: criteria provided, single submitter. Criteria: Invitae Variant Classification Sherloc (09022015). Collection method: clinical testing. Allele origin: germline.
Comment: This sequence change replaces valine, which is neutral and non-polar, with isoleucine, which is neutral and non-polar, at codon 6 of the LIFR protein (p.Val6Ile). This variant is present in population databases (rs373771721, gnomAD 0.06%). This variant has not been reported in the literature in individuals affected with LIFR-related conditions. ClinVar contains an entry for this variant (Variation ID: 353637). An algorithm developed to predict the effect of missense changes on protein structure and function (PolyPhen-2) suggests that this variant is likely to be tolerated. In summary, the available evidence is currently insufficient to determine the role of this variant in disease. Therefore, it has been classified as a Variant of Uncertain Significance.

Ambry Genetics
Classification: Uncertain significance for Inborn genetic diseases. Last evaluated: 2023-08-15. Review status: criteria provided, single submitter. Criteria: Ambry Variant Classification Scheme 2023. Collection method: clinical testing. Allele origin: germline.

Illumina Laboratory Services, Illumina
Classification: Uncertain significance for Stüve-Wiedemann syndrome 1. Last evaluated: 2018-01-12. Review status: criteria provided, single submitter. Criteria: ICSL Variant Classification Criteria 13 December 2019. Collection method: clinical testing. Allele origin: germline.